The following is an entry in ClinVar:

ClinVar aggregate classification (germline): Uncertain significance (1 of 4 stars; one submission).

Submission:

Mayo Clinic Laboratories, Mayo Clinic
Classification: Uncertain significance. Last evaluated: 2024-01-03. Review status: criteria provided, single submitter. Criteria: ACMG Guidelines, 2015. Collection method: clinical testing. Allele origin: germline. Observed: 1 variant allele.
Comment: BP4, PM2

NM_014000.3(VCL):c.999T>A (p.Asp333Glu)

Gene: VCL (vinculin; plus strand). Cytogenetic location: 10q22.2.
Variant type: single nucleotide variant.
Coding change: c.999T>A on transcript NM_014000.3 (MANE Select); coding-DNA position 999, T replaced by A.
Protein change: p.Asp333Glu; replaces aspartic acid 333 with glutamic acid.
Molecular consequence: missense variant.
Genome position (GRCh38, 1-based): chr10:74,083,490, T>A. VCF-style: chr10-74083490-T-A. GRCh37 (hg19) VCF-style: chr10-75843248-T-A.
Other names: p.Asp333Glu; c.999T>A, p.Asp333Glu (NM_003373.4); short protein forms D333E.
Identifiers: ClinVar variation 3379976 (VCV003379976.1).